The following is an entry in ClinVar:

ClinVar aggregate classification (germline): Uncertain significance (1 of 4 stars; one submission).

Conditions:
EGFR-related lung cancer (EGFR). Identifiers: MedGen CN130014.

Allele frequency attached by ClinVar (database versions not stated): gnomAD exomes below 0.00001; TOPMed below 0.00001; gnomAD 0.00001.
gnomAD v4.1: 2 of 1,614,034 alleles (0.00012%); highest among the groups gnomAD compares: Non-Finnish European, 0.00017%; no homozygotes.

Submission:

Labcorp Genetics (formerly Invitae), Labcorp
Classification: Uncertain significance for EGFR-related lung cancer. Last evaluated: 2023-05-16. Review status: criteria provided, single submitter. Criteria: Invitae Variant Classification Sherloc (09022015). Collection method: clinical testing. Allele origin: germline.
Comment: In summary, the available evidence is currently insufficient to determine the role of this variant in disease. Therefore, it has been classified as a Variant of Uncertain Significance. Advanced modeling of protein sequence and biophysical properties (such as structural, functional, and spatial information, amino acid conservation, physicochemical variation, residue mobility, and thermodynamic stability) performed at Invitae indicates that this missense variant is not expected to disrupt EGFR protein function. This variant has not been reported in the literature in individuals affected with EGFR-related conditions. This variant is present in population databases (no rsID available, gnomAD 0.0009%). This sequence change replaces aspartic acid, which is acidic and polar, with valine, which is neutral and non-polar, at codon 956 of the EGFR protein (p.Asp956Val).

NM_005228.5(EGFR):c.2867A>T (p.Asp956Val)

Gene: EGFR (epidermal growth factor receptor; plus strand). Cytogenetic location: 7p11.2.
Variant type: single nucleotide variant.
Coding change: c.2867A>T on transcript NM_005228.5 (MANE Select); coding-DNA position 2867, A replaced by T.
Protein change: p.Asp956Val; replaces aspartic acid 956 with valine.
Molecular consequence: missense variant.
Genome position (GRCh38, 1-based): chr7:55,200,334, A>T. VCF-style: chr7-55200334-A-T. GRCh37 (hg19) VCF-style: chr7-55268027-A-T.
Other names: c.2732A>T, p.Asp911Val (NM_001346897.2, NM_001346899.2); c.2867A>T, p.Asp956Val (NM_001346898.2); c.2708A>T, p.Asp903Val (NM_001346900.2); c.2066A>T, p.Asp689Val (NM_001346941.2); short protein forms D689V, D903V, D956V, D911V.
Identifiers: ClinVar variation 2797169 (VCV002797169.3), dbSNP rs1185470008, ClinGen allele CA367581745.